The following is an entry in ClinVar:

NM_001077365.2(POMT1):c.699+33G>A

Gene: POMT1 (protein O-mannosyltransferase 1; plus strand). Cytogenetic location: 9q34.13.
Variant type: single nucleotide variant.
Coding change: c.699+33G>A on transcript NM_001077365.2 (MANE Select); 33 bases into the intron after coding-DNA position 699, G replaced by A.
Molecular consequence: intron variant. On other transcripts: synonymous variant (7), non-coding transcript variant (1).
Genome position (GRCh38, 1-based): chr9:131,510,029, G>A. VCF-style: chr9-131510029-G-A. GRCh37 (hg19) VCF-style: chr9-134385416-G-A.
Other names: c.732G>A, p.Pro244= (NM_001353193.2, NM_007171.4); c.570G>A, p.Pro190= (NM_001353197.2, NM_001353198.2, NM_001374689.1); c.381G>A, p.Pro127= (NM_001353199.2); c.276G>A, p.Pro92= (NM_001374695.1); c.699+33G>A (NM_001136113.2, NM_001374690.1); c.537+33G>A (NM_001353194.2, NM_001077366.2, NM_001374693.1); c.348+33G>A (NM_001374691.1, NM_001353195.2, NM_001374692.1 and 1 more transcripts); c.609+33G>A (NM_001353196.2); and 1 more.
Identifiers: ClinVar variation 511738 (VCV000511738.4), dbSNP rs750646014, ClinGen allele CA5293380.

ClinVar aggregate classification (germline): Likely benign. Review status: criteria provided, multiple submitters, no conflicts (2 of 4 stars). 2 submissions from 2 submitters: Likely benign (2). Last evaluated 2026-02-01.

Conditions:
Autosomal recessive limb-girdle muscular dystrophy type 2K. Also called: MUSCULAR DYSTROPHY-DYSTROGLYCANOPATHY (LIMB-GIRDLE), TYPE C, 1; MUSCULAR DYSTROPHY, LIMB-GIRDLE, TYPE 2K. Identifiers: Orphanet 86812, MedGen C1836373, MONDO:0012248, OMIM 609308.
Muscular dystrophy-dystroglycanopathy (congenital with impaired intellectual development), type B, 1. Also called: Muscular dystrophy-dystroglycanopathy (congenital with intellectual disability), type B1; MUSCULAR DYSTROPHY, CONGENITAL, POMT1-RELATED. Identifiers: MedGen C5436962, MONDO:0013159, OMIM 613155.
Walker-Warburg congenital muscular dystrophy. Also called: Muscular dystrophy-dystroglycanopathy, type A; Walker-Warburg syndrome. Identifiers: Orphanet 899, MedGen C0265221, MONDO:0000171.

Allele frequency attached by ClinVar (database versions not stated): gnomAD exomes 0.00001; TOPMed 0.00001; ExAC 0.00002.
gnomAD v4.1: 17 of 1,614,140 alleles (0.0011%); highest among the groups gnomAD compares: Non-Finnish European, 0.0013%; no homozygotes.

Submissions (2):

Labcorp Genetics (formerly Invitae), Labcorp
Classification: Likely benign for Muscular dystrophy-dystroglycanopathy (congenital with impaired intellectual development), type B, 1; Walker-Warburg congenital muscular dystrophy; Autosomal recessive limb-girdle muscular dystrophy type 2K. Last evaluated: 2026-02-01. Review status: criteria provided, single submitter. Criteria: Invitae Variant Classification Sherloc (09022015). Collection method: clinical testing. Allele origin: germline.

GeneDx
Classification: Likely benign. Last evaluated: 2017-08-25. Review status: criteria provided, single submitter. Criteria: GeneDx Variant Classification (06012015). Collection method: clinical testing. Allele origin: germline. Affected: yes.
Comment: This variant is considered likely benign or benign based on one or more of the following criteria: it is a conservative change, it occurs at a poorly conserved position in the protein, it is predicted to be benign by multiple in silico algorithms, and/or has population frequency not consistent with disease.